The following is an entry in ClinVar:

NM_000092.5(COL4A4):c.4413C>G (p.His1471Gln)

Gene: COL4A4 (collagen type IV alpha 4 chain; minus strand). Cytogenetic location: 2q36.3.
Variant type: single nucleotide variant.
Coding change: c.4413C>G on transcript NM_000092.5 (MANE Select); coding-DNA position 4413, C replaced by G.
Protein change: p.His1471Gln; replaces histidine 1471 with glutamine.
Molecular consequence: missense variant.
Genome position (GRCh38, 1-based): chr2:227,010,422, G>C on the plus strand (C>G on the coding strand, the complement: COL4A4 is on the minus strand). VCF-style: chr2-227010422-G-C. GRCh37 (hg19) VCF-style: chr2-227875138-G-C.
Other names: short protein forms H1471Q.
Identifiers: ClinVar variation 667224 (VCV000667224.13), dbSNP rs1478610555, ClinGen allele CA350836205.

ClinVar aggregate classification (germline): Uncertain significance. Review status: criteria provided, multiple submitters, no conflicts (2 of 4 stars). 7 submissions from 7 submitters: Uncertain significance (6). 1 of the submissions does not count toward it. Last evaluated 2025-12-02.

Conditions:
Inborn genetic diseases. Identifiers: MedGen C0950123, MeSH D030342.
Autosomal recessive Alport syndrome (ATS2). Also called: COL4A4 Alport Syndrome and Thin Basement Membrane Nephropathy; ALPORT SYNDROME 2, AUTOSOMAL RECESSIVE; Alport syndrome type 2; COL4A3-Related Nephropathy. Identifiers: Orphanet 63, Orphanet 88919, MedGen C4746745, MONDO:0008762, OMIM 203780.
Benign familial hematuria. Also called: thin basement membrane disease. Identifiers: MedGen C0241908, MONDO:0957317.
COL4A4-related disorder.
Alport syndrome. Also called: Hemorrhagic familial nephritis; Hemorrhagic hereditary nephritis; Congenital hereditary hematuria. Identifiers: Orphanet 63, MedGen C1567741, MONDO:0018965.

Allele frequency attached by ClinVar (database versions not stated): gnomAD exomes 0.00001 and 0.00002; gnomAD 0.00001; TOPMed 0.00001.
gnomAD v4.1: 10 of 1,613,966 alleles (0.00062%); highest among the groups gnomAD compares: Admixed American, 0.012%; no homozygotes.

Submissions (7):

PreventionGenetics, part of Exact Sciences
Classification: Uncertain significance for COL4A4-related condition. Last evaluated: 2025-12-02. Review status: criteria provided, single submitter. Criteria: ACMG Guidelines, 2015. Collection method: clinical testing. Allele origin: germline.
Comment: The COL4A4 c.4413C>G variant is predicted to result in the amino acid substitution p.His1471Gln. To our knowledge, this variant has not been reported in the literature. This variant is reported in 0.012% of alleles in individuals of Latino descent in gnomAD. At this time, the clinical significance of this variant is uncertain due to the absence of conclusive functional and genetic evidence.

Ambry Genetics
Classification: Uncertain significance for Inborn genetic diseases. Last evaluated: 2025-08-22. Review status: criteria provided, single submitter. Criteria: Ambry Variant Classification Scheme 2023. Collection method: clinical testing. Allele origin: germline.

GeneDx
Classification: Uncertain significance. Last evaluated: 2025-06-06. Review status: criteria provided, single submitter. Criteria: GeneDx Variant Classification Process June 2021. Collection method: clinical testing. Allele origin: germline.
Comment: In silico analysis supports that this missense variant has a deleterious effect on protein structure/function; Has not been previously published as pathogenic or benign to our knowledge

Labcorp Genetics (formerly Invitae), Labcorp
Classification: Uncertain significance. Last evaluated: 2024-07-23. Review status: criteria provided, single submitter. Criteria: Invitae Variant Classification Sherloc (09022015). Collection method: clinical testing. Allele origin: germline.
Comment: This sequence change replaces histidine, which is basic and polar, with glutamine, which is neutral and polar, at codon 1471 of the COL4A4 protein (p.His1471Gln). This variant is present in population databases (no rsID available, gnomAD 0.01%). This variant has not been reported in the literature in individuals affected with COL4A4-related conditions. ClinVar contains an entry for this variant (Variation ID: 667224). Advanced modeling of protein sequence and biophysical properties (such as structural, functional, and spatial information, amino acid conservation, physicochemical variation, residue mobility, and thermodynamic stability) performed at Invitae indicates that this missense variant is not expected to disrupt COL4A4 protein function with a negative predictive value of 95%. In summary, the available evidence is currently insufficient to determine the role of this variant in disease. Therefore, it has been classified as a Variant of Uncertain Significance.

Fulgent Genetics
Classification: Uncertain significance for Hematuria, benign familial, 1; Autosomal recessive Alport syndrome. Last evaluated: 2022-05-31. Review status: criteria provided, single submitter. Criteria: ACMG Guidelines, 2015. Collection method: clinical testing. Allele origin: unknown.

Laboratory for Molecular Medicine, Mass General Brigham Personalized Medicine
Classification: Uncertain significance. Last evaluated: 2018-08-07. Review status: criteria provided, single submitter. Criteria: LMM Criteria. Collection method: clinical testing. Allele origin: germline. Observed: 1 variant allele.
Comment: The p.His1471Gln variant in COL4A4 has not been previously reported in individua ls with hearing loss or Alport syndrome but has been identified in 0.01% (4/3357 2) Latino chromosomes by the Genome Aggregation Database (gnomAD.). Computational prediction tools and conservation analysis su ggest that the p.His1471Gln variant may impact the protein, though this informat ion is not predictive enough to determine pathogenicity. In summary, the clinica l significance of the p.His1471Gln variant is uncertain. ACMG/AMP Criteria appli ed: PP3, PM2_Supporting.

Natera, Inc.
Classification: Uncertain significance for Alport syndrome. Last evaluated: 2020-09-16. Review status: no assertion criteria provided. Collection method: clinical testing. Allele origin: germline. Not counted in ClinVar's aggregate classification.